The following is an entry in ClinVar:

ClinVar aggregate classification (germline): Uncertain significance. Review status: criteria provided, multiple submitters, no conflicts (2 of 4 stars). 2 submissions from 2 submitters: Uncertain significance (2). Last evaluated 2025-08-14.

Conditions:
Inborn genetic diseases. Identifiers: MedGen C0950123, MeSH D030342.
Sphingolipid activator protein 1 deficiency. Also called: METACHROMATIC LEUKODYSTROPHY DUE TO CEREBROSIDE SULFATASE ACTIVATOR DEFICIENCY; Saposin B Deficiency; Metachromatic leukodystrophy due to saposin B deficiency. Identifiers: Orphanet 512, MedGen C0268262, MONDO:0009590, OMIM 249900.

Allele frequency attached by ClinVar (database versions not stated): ExAC 0.00001.
gnomAD v4.1: 13 of 1,613,988 alleles (0.00081%); highest among the groups gnomAD compares: Admixed American, 0.0017%; no homozygotes.

Submissions (2):

Ambry Genetics
Classification: Uncertain significance for Inborn genetic diseases. Last evaluated: 2025-08-14. Review status: criteria provided, single submitter. Criteria: Ambry Variant Classification Scheme 2023. Collection method: clinical testing. Allele origin: germline.

Labcorp Genetics (formerly Invitae), Labcorp
Classification: Uncertain significance for Sphingolipid activator protein 1 deficiency. Last evaluated: 2022-08-03. Review status: criteria provided, single submitter. Criteria: Invitae Variant Classification Sherloc (09022015). Collection method: clinical testing. Allele origin: germline.
Comment: This sequence change replaces serine, which is neutral and polar, with leucine, which is neutral and non-polar, at codon 29 of the PSAP protein (p.Ser29Leu). This variant is present in population databases (rs758565002, gnomAD 0.003%). This variant has not been reported in the literature in individuals affected with PSAP-related conditions. Algorithms developed to predict the effect of missense changes on protein structure and function are either unavailable or do not agree on the potential impact of this missense change (SIFT: "Not Available"; PolyPhen-2: "Possibly Damaging"; Align-GVGD: "Not Available"). In summary, the available evidence is currently insufficient to determine the role of this variant in disease. Therefore, it has been classified as a Variant of Uncertain Significance.

NM_002778.4(PSAP):c.86C>T (p.Ser29Leu)

Gene: PSAP (prosaposin; minus strand). Cytogenetic location: 10q22.1.
Variant type: single nucleotide variant.
Coding change: c.86C>T on transcript NM_002778.4 (MANE Select); coding-DNA position 86, C replaced by T.
Protein change: p.Ser29Leu; replaces serine 29 with leucine.
Molecular consequence: missense variant.
Genome position (GRCh38, 1-based): chr10:71,834,460, G>A on the plus strand (C>T on the coding strand, the complement: PSAP is on the minus strand). VCF-style: chr10-71834460-G-A. GRCh37 (hg19) VCF-style: chr10-73594217-G-A.
Other names: c.86C>T, p.Ser29Leu (NM_001042465.3, NM_001042466.3); c.86C>T (NM_002778.2); short protein forms S29L.
Identifiers: ClinVar variation 2147349 (VCV002147349.2), dbSNP rs758565002, ClinGen allele CA5547909.